The following is an entry in ClinVar:

NM_000330.4(RS1):c.559C>T (p.Gln187Ter)

Genes: CDKL5 (cyclin dependent kinase like 5; plus strand), RS1 (retinoschisin 1; minus strand). Cytogenetic location: Xp22.13.
Variant type: single nucleotide variant.
Coding change: c.559C>T on transcript NM_000330.4 (MANE Select); coding-DNA position 559, C replaced by T.
Protein change: p.Gln187Ter; replaces glutamine 187 with a stop codon.
Molecular consequence: nonsense. On other transcripts: intron variant (2).
Genome position (GRCh38, 1-based): chrX:18,642,120, G>A on the plus strand (C>T on the coding strand, the complement: RS1 is on the minus strand). VCF-style: chrX-18642120-G-A. GRCh37 (hg19) VCF-style: chrX-18660240-G-A.
Other names: NM_000330.4(RS1):c.559C>T; p.Gln187Ter; c.2714-3887G>A (NM_003159.3, NM_001037343.2); short protein forms Q187*.
Identifiers: ClinVar variation 3249769 (VCV003249769.2).

ClinVar aggregate classification (germline): Pathogenic. Review status: reviewed by expert panel (3 of 4 stars). 2 submissions from 2 submitters: Pathogenic (1). 1 of the submissions does not count toward it. Last evaluated 2026-09-26.

Conditions:
Juvenile retinoschisis (RS1). Also called: X-linked retinoschisis; X-Linked Juvenile Retinoschisis. Identifiers: Orphanet 792, MedGen C3714753, MONDO:0010725, OMIM 312700.
Retinal dystrophy. Also called: Inherited retinal dystrophy. Identifiers: Orphanet 71862, MedGen C0854723, MeSH D058499, MONDO:0019118, HP:0000556.

Submissions (2):

ClinGen X-linked Inherited Retinal Disease Variant Curation Expert Panel, ClinGen
Classification: Pathogenic for Juvenile retinoschisis. Last evaluated: 2026-09-26. Review status: reviewed by expert panel. Criteria: ClinGen X LinkedIRD ACMG Specifications RS1 V1.0.0. Collection method: curation. Allele origin: germline. Inheritance: X-linked inheritance.
Comment: NM_000330.4(RS1):c.559C>T (p.Gln187Ter) s a nonsense variant that introduces a premature stop codon in exon 6 of 6 and is predicted not to trigger nonsense-mediated decay but to disrupt a critical C-terminal region required for the proper function of RS1 (PVS1, PMID: 19849666). This variant is absent from hemizygous individuals in gnomAD v4.1.0 (PM2_Supporting). At least one proband harboring this variant exhibits a phenotype that includes the appearance of schisis and reduced visual acuity before age 13 years, which together are specific for X-linked retinoschisis (PMID: 34675999, PP4). This variant has been reported in at least 1 proband meeting one of the PS4 requirements of a male diagnosed with XLRS, as well as a second apparently unrelated proband previously used for the PP4 code (PMIDs: 17987333, 32531858, PS4_Supporting). The variant has been reported to segregate with retinal dystrophy through >3 meioses in two families (PP1_Strong; PMID: 34675999, 32531858). In summary, this variant is classified as pathogenic for X-linked retinoschisis based on the ClinGen X-linked Inherited Retinal Disease Expert Panel Specifications to the ACMG/AMP Variant Interpretation Guidelines for RS1 Version 1.0.0: PM2_Supporting, PVS1, PP4, PS4_Supporting, and PP1_Strong.

Institute of Human Genetics, Univ. Regensburg, Univ. Regensburg
Classification: Pathogenic for Retinal dystrophy. Last evaluated: 2011-01-01. Review status: criteria provided, single submitter. Criteria: ACMG Guidelines, 2015. Collection method: clinical testing. Allele origin: germline. Affected: yes. Not counted in ClinVar's aggregate classification.

Literature cited by the submitters: PubMed 17987333 (cited by Institute of Human Genetics, Univ. Regensburg, Univ. Regensburg); PubMed 32531858 (cited by Institute of Human Genetics, Univ. Regensburg, Univ. Regensburg); PubMed 34675999 (cited by Institute of Human Genetics, Univ. Regensburg, Univ. Regensburg).